The following is an entry in ClinVar:

ClinVar aggregate classification (germline): Uncertain significance (1 of 4 stars; one submission).

Conditions:
Progressive sclerosing poliodystrophy (MTDPS4A). Also called: Mitochondrial DNA Depletion Syndrome 4A; Alpers-Huttenlocher Syndrome (AHS); ALPERS PROGRESSIVE INFANTILE POLIODYSTROPHY; NEURONAL DEGENERATION OF CHILDHOOD WITH LIVER DISEASE, PROGRESSIVE; Mitochondrial DNA depletion syndrome 4A (Alpers type); Alpers Syndrome. Identifiers: Orphanet 726, MedGen C0205710, MONDO:0008758, OMIM 203700.

Submission:

Labcorp Genetics (formerly Invitae), Labcorp
Classification: Uncertain significance for Progressive sclerosing poliodystrophy. Last evaluated: 2022-02-22. Review status: criteria provided, single submitter. Criteria: Invitae Variant Classification Sherloc (09022015). Collection method: clinical testing. Allele origin: germline.
Comment: In summary, the available evidence is currently insufficient to determine the role of this variant in disease. Therefore, it has been classified as a Variant of Uncertain Significance. Algorithms developed to predict the effect of sequence changes on RNA splicing suggest that this variant may create or strengthen a splice site. Algorithms developed to predict the effect of missense changes on protein structure and function are either unavailable or do not agree on the potential impact of this missense change (SIFT: "Tolerated"; PolyPhen-2: "Probably Damaging"; Align-GVGD: "Class C15"). This variant has not been reported in the literature in individuals affected with POLG-related conditions. This variant is not present in population databases (gnomAD no frequency). This sequence change replaces arginine, which is basic and polar, with glycine, which is neutral and non-polar, at codon 386 of the POLG protein (p.Arg386Gly).

NM_002693.3(POLG):c.1156C>G (p.Arg386Gly)

Gene: POLG (DNA polymerase gamma, catalytic subunit; minus strand). Cytogenetic location: 15q26.1.
Variant type: single nucleotide variant.
Coding change: c.1156C>G on transcript NM_002693.3 (MANE Select); coding-DNA position 1156, C replaced by G.
Protein change: p.Arg386Gly; replaces arginine 386 with glycine.
Molecular consequence: missense variant.
Genome position (GRCh38, 1-based): chr15:89,328,699, G>C on the plus strand (C>G on the coding strand, the complement: POLG is on the minus strand). VCF-style: chr15-89328699-G-C. GRCh37 (hg19) VCF-style: chr15-89871930-G-C.
Other names: c.1156C>G, p.Arg386Gly (NM_001126131.2); short protein forms R386G.
Identifiers: ClinVar variation 2418749 (VCV002418749.8), dbSNP rs199759055, ClinGen allele CA393764648.